The following is an entry in ClinVar:

NM_015122.3(FCHO1):c.1354T>G (p.Ser452Ala)

Gene: FCHO1 (FCH and mu domain containing endocytic adaptor 1; plus strand). Cytogenetic location: 19p13.11.
Variant type: single nucleotide variant.
Coding change: c.1354T>G on transcript NM_015122.3 (MANE Select); coding-DNA position 1354, T replaced by G.
Protein change: p.Ser452Ala; replaces serine 452 with alanine.
Molecular consequence: missense variant. On other transcripts: non-coding transcript variant (14), intron variant (15).
Genome position (GRCh38, 1-based): chr19:17,778,611, T>G. VCF-style: chr19-17778611-T-G. GRCh37 (hg19) VCF-style: chr19-17889420-T-G.
Other names: c.1354T>G, p.Ser452Ala (NM_001161357.2, NM_001161358.2, NM_001384370.1 and 13 more transcripts); c.1204T>G, p.Ser402Ala (NM_001161359.2, NM_001384384.1, NM_001384385.1 and 1 more transcripts); c.1315T>G, p.Ser439Ala (NM_001384388.1, NM_001384389.1, NM_001384405.1); c.1279T>G, p.Ser427Ala (NM_001384390.1); c.1351+383T>G (NM_001384396.1, NM_001384404.1, NM_001384398.1 and 5 more transcripts); c.1201+383T>G (NM_001384406.1); c.1057+2340T>G (NM_001384407.1); c.1352-115T>G (NM_001384393.1, NM_001384394.1, NM_001384392.1 and 1 more transcripts); and 2 more; short protein forms S427A, S439A, S402A, S452A.
Identifiers: ClinVar variation 1425940 (VCV001425940.7), dbSNP rs748187975, ClinGen allele CA9300510.

ClinVar aggregate classification (germline): Uncertain significance. Review status: criteria provided, multiple submitters, no conflicts (2 of 4 stars). 2 submissions from 2 submitters: Uncertain significance (2). Last evaluated 2025-04-09.

Allele frequency attached by ClinVar (database versions not stated): TOPMed 0.00002; gnomAD 0.00001.
gnomAD v4.1: 67 of 1,555,608 alleles (0.0043%); highest among the groups gnomAD compares: Non-Finnish European, 0.0056%; no homozygotes.

Submissions (2):

Ambry Genetics
Classification: Uncertain significance. Last evaluated: 2025-04-09. Review status: criteria provided, single submitter. Criteria: Ambry Variant Classification Scheme 2023. Collection method: clinical testing. Allele origin: germline.

Labcorp Genetics (formerly Invitae), Labcorp
Classification: Uncertain significance. Last evaluated: 2022-09-27. Review status: criteria provided, single submitter. Criteria: Invitae Variant Classification Sherloc (09022015). Collection method: clinical testing. Allele origin: germline.
Comment: This sequence change replaces serine, which is neutral and polar, with alanine, which is neutral and non-polar, at codon 452 of the FCHO1 protein (p.Ser452Ala). This variant is present in population databases (rs748187975, gnomAD 0.004%). This variant has not been reported in the literature in individuals affected with FCHO1-related conditions. ClinVar contains an entry for this variant (Variation ID: 1425940). Algorithms developed to predict the effect of missense changes on protein structure and function (SIFT, PolyPhen-2, Align-GVGD) all suggest that this variant is likely to be tolerated. In summary, the available evidence is currently insufficient to determine the role of this variant in disease. Therefore, it has been classified as a Variant of Uncertain Significance.